The following is an entry in ClinVar:

NM_005560.6(LAMA5):c.7074C>G (p.Ser2358Arg)

Gene: LAMA5 (laminin subunit alpha 5; minus strand). Cytogenetic location: 20q13.33.
Variant type: single nucleotide variant.
Coding change: c.7074C>G on transcript NM_005560.6 (MANE Select); coding-DNA position 7074, C replaced by G.
Protein change: p.Ser2358Arg; replaces serine 2358 with arginine.
Molecular consequence: missense variant.
Genome position (GRCh38, 1-based): chr20:62,318,619, G>C on the plus strand (C>G on the coding strand, the complement: LAMA5 is on the minus strand). VCF-style: chr20-62318619-G-C. GRCh37 (hg19) VCF-style: chr20-60893675-G-C.
Other names: short protein forms S2358R.
Identifiers: ClinVar variation 3239047 (VCV003239047.19), dbSNP rs1351036129.

ClinVar aggregate classification (germline): Uncertain significance (1 of 4 stars; one submission).

Allele frequency attached by ClinVar (database versions not stated): gnomAD 0.00001.

Submission:

CeGaT Center for Human Genetics Tuebingen
Classification: Uncertain significance. Last evaluated: 2024-05-01. Review status: criteria provided, single submitter. Criteria: CeGaT Center For Human Genetics Tuebingen Variant Classification Criteria Version 2. Collection method: clinical testing. Allele origin: germline. Affected: yes. Observed: 1 variant allele.
Comment: LAMA5: PM2